The following is an entry in ClinVar:

NM_005585.5(SMAD6):c.764A>C (p.Asp255Ala)

Gene: SMAD6 (SMAD family member 6; plus strand). Cytogenetic location: 15q22.31.
Variant type: single nucleotide variant.
Coding change: c.764A>C on transcript NM_005585.5 (MANE Select); coding-DNA position 764, A replaced by C.
Protein change: p.Asp255Ala; replaces aspartic acid 255 with alanine.
Molecular consequence: missense variant. On other transcripts: non-coding transcript variant (1).
Genome position (GRCh38, 1-based): chr15:66,704,022, A>C. VCF-style: chr15-66704022-A-C. GRCh37 (hg19) VCF-style: chr15-66996360-A-C.
Other names: c.764A>C (NM_005585.4); short protein forms D255A.
Identifiers: ClinVar variation 2954633 (VCV002954633.4), dbSNP rs2140582733, ClinGen allele CA392950197.

ClinVar aggregate classification (germline): Uncertain significance. Review status: criteria provided, multiple submitters, no conflicts (2 of 4 stars). 2 submissions from 2 submitters: Uncertain significance (2). Last evaluated 2024-05-07.

Conditions:
Inborn genetic diseases. Identifiers: MedGen C0950123, MeSH D030342.
Aortic valve disease 2 (AOVD2). Identifiers: MedGen C3542024, MONDO:0013902, OMIM 614823.

gnomAD v4.1: 3 of 1,505,662 alleles (0.0002%); highest among the groups gnomAD compares: African/African-American, 0.0014%; no homozygotes.

Submissions (2):

Ambry Genetics
Classification: Uncertain significance for Inborn genetic diseases. Last evaluated: 2024-05-07. Review status: criteria provided, single submitter. Criteria: Ambry Variant Classification Scheme 2023. Collection method: clinical testing. Allele origin: germline.
Comment: The p.D255A variant (also known as c.764A>C), located in coding exon 1 of the SMAD6 gene, results from an A to C substitution at nucleotide position 764. The aspartic acid at codon 255 is replaced by alanine, an amino acid with dissimilar properties. This amino acid position is conserved. In addition, this alteration is predicted to be tolerated by in silico analysis. Based on the available evidence, the clinical significance of this variant remains unclear.

Labcorp Genetics (formerly Invitae), Labcorp
Classification: Uncertain significance for Aortic valve disease 2. Last evaluated: 2023-11-19. Review status: criteria provided, single submitter. Criteria: Invitae Variant Classification Sherloc (09022015). Collection method: clinical testing. Allele origin: germline.
Comment: This sequence change replaces aspartic acid, which is acidic and polar, with alanine, which is neutral and non-polar, at codon 255 of the SMAD6 protein (p.Asp255Ala). This variant is not present in population databases (gnomAD no frequency). This variant has not been reported in the literature in individuals affected with SMAD6-related conditions. Advanced modeling of protein sequence and biophysical properties (such as structural, functional, and spatial information, amino acid conservation, physicochemical variation, residue mobility, and thermodynamic stability) performed at Invitae indicates that this missense variant is not expected to disrupt SMAD6 protein function with a negative predictive value of 80%. In summary, the available evidence is currently insufficient to determine the role of this variant in disease. Therefore, it has been classified as a Variant of Uncertain Significance.